The following is an entry in ClinVar:

ClinVar aggregate classification (germline): Uncertain significance (1 of 4 stars; one submission).

Conditions:
Brachyolmia-amelogenesis imperfecta syndrome. Also called: PLATYSPONDYLY WITH AMELOGENESIS IMPERFECTA; Tooth agenesis, selective, 6; Dental anomalies and short stature. Identifiers: Orphanet 2899, MedGen C1832594, MONDO:0011018, OMIM 601216. Disease mechanism: loss of function.

gnomAD v4.1: 2 of 1,613,956 alleles (0.00012%); highest among the groups gnomAD compares: African/African-American, 0.0027%; no homozygotes.

Submission:

Labcorp Genetics (formerly Invitae), Labcorp
Classification: Uncertain significance for Brachyolmia-amelogenesis imperfecta syndrome. Last evaluated: 2024-05-20. Review status: criteria provided, single submitter. Criteria: Invitae Variant Classification Sherloc (09022015). Collection method: clinical testing. Allele origin: germline.
Comment: This sequence change replaces arginine, which is basic and polar, with glycine, which is neutral and non-polar, at codon 862 of the LTBP3 protein (p.Arg862Gly). This variant is present in population databases (no rsID available, gnomAD 0.007%). This variant has not been reported in the literature in individuals affected with LTBP3-related conditions. An algorithm developed to predict the effect of missense changes on protein structure and function (PolyPhen-2) suggests that this variant is likely to be disruptive. In summary, the available evidence is currently insufficient to determine the role of this variant in disease. Therefore, it has been classified as a Variant of Uncertain Significance.

NM_001130144.3(LTBP3):c.2584A>G (p.Arg862Gly)

Gene: LTBP3 (latent transforming growth factor beta binding protein 3; minus strand). Cytogenetic location: 11q13.1.
Variant type: single nucleotide variant.
Coding change: c.2584A>G on transcript NM_001130144.3 (MANE Select); coding-DNA position 2584, A replaced by G.
Protein change: p.Arg862Gly; replaces arginine 862 with glycine.
Molecular consequence: missense variant.
Genome position (GRCh38, 1-based): chr11:65,543,117, T>C on the plus strand (A>G on the coding strand, the complement: LTBP3 is on the minus strand). VCF-style: chr11-65543117-T-C. GRCh37 (hg19) VCF-style: chr11-65310588-T-C.
Other names: c.2233A>G, p.Arg745Gly (NM_001164266.1); c.2584A>G, p.Arg862Gly (NM_021070.4); short protein forms R745G, R862G.
Identifiers: ClinVar variation 3621430 (VCV003621430.2).